The following is an entry in ClinVar:

ClinVar aggregate classification (germline): Likely pathogenic. Review status: criteria provided, multiple submitters, no conflicts (2 of 4 stars). 3 submissions from 3 submitters: Likely pathogenic (3). Last evaluated 2025-01-01.

Conditions:
Charcot-Marie-Tooth disease type 2. Also called: Charcot-Marie-Tooth type 2. Identifiers: Orphanet 64746, MedGen C0270914, MONDO:0018993.
Charcot-Marie-Tooth disease type 2A2. Also called: CHARCOT-MARIE-TOOTH DISEASE, AXONAL, TYPE 2A2; CHARCOT-MARIE-TOOTH DISEASE, NEURONAL, TYPE 2A2; HEREDITARY MOTOR AND SENSORY NEUROPATHY IIA2; HMSN IIA2; CHARCOT-MARIE-TOOTH DISEASE, AXONAL, AUTOSOMAL DOMINANT, TYPE 2A2A; Charcot-Marie-Tooth Neuropathy Type 2A2. Identifiers: Orphanet 99947, MedGen C4721887, MONDO:0012231, OMIM 609260.

Submissions (3):

Labcorp Genetics (formerly Invitae), Labcorp
Classification: Likely pathogenic for Charcot-Marie-Tooth disease type 2. Last evaluated: 2025-01-01. Review status: criteria provided, single submitter. Criteria: Invitae Variant Classification Sherloc (09022015). Collection method: clinical testing. Allele origin: germline.
Comment: This sequence change replaces threonine, which is neutral and polar, with alanine, which is neutral and non-polar, at codon 206 of the MFN2 protein (p.Thr206Ala). This variant is not present in population databases (gnomAD no frequency). This missense change has been observed in individual(s) with MFN2-related conditions (PMID: 37712079). ClinVar contains an entry for this variant (Variation ID: 801442). Invitae Evidence Modeling of protein sequence and biophysical properties (such as structural, functional, and spatial information, amino acid conservation, physicochemical variation, residue mobility, and thermodynamic stability) has been performed for this missense variant. However, the output from this modeling did not meet the statistical confidence thresholds required to predict the impact of this variant on MFN2 protein function. This variant disrupts the p.Thr206 amino acid residue in MFN2. Other variant(s) that disrupt this residue have been determined to be pathogenic (PMID: 16437557, 16714318, 24863639). This suggests that this residue is clinically significant, and that variants that disrupt this residue are likely to be disease-causing. In summary, the currently available evidence indicates that the variant is pathogenic, but additional data are needed to prove that conclusively. Therefore, this variant has been classified as Likely Pathogenic.

Clinical Omics and Informatics (COIN) Unit, Neuroscience Institute, University Of Cape Town
Classification: Likely pathogenic for Charcot-Marie-Tooth disease type 2A2. Last evaluated: 2024-05-22. Review status: criteria provided, single submitter. Criteria: ACMG Guidelines, 2015. Collection method: research. Allele origin: germline. Inheritance: Autosomal dominant inheritance. Affected: yes. Observed: 1 variant allele, 1 heterozygote.
Comment: PM2_supporting: This variant is absent from gnomAD v4.0 (adequate coverage >20x confirmed) and an internal database of 1074 control alleles. PM1 met: variant occurs in the dynamin-like GTPase domain together with other pathogenic variants. PP3 met: Revel score is 0.77. PM5 met: MFN2 p.Thr206Ile classified as likely pathogenic. PS4 not met: ClinVar SCV001135178.1 does not provide any phenotype information.

Mendelics
Classification: Likely pathogenic for Charcot-Marie-Tooth disease type 2A2. Last evaluated: 2019-05-28. Review status: criteria provided, single submitter. Criteria: Mendelics Assertion Criteria 2017. Collection method: clinical testing. Allele origin: unknown.

Literature cited by the submitters: PubMed 37712079 (cited by Labcorp Genetics (formerly Invitae), Labcorp and Clinical Omics and Informatics (COIN) Unit, Neuroscience Institute, University Of Cape Town); PubMed 16437557 (cited by Labcorp Genetics (formerly Invitae), Labcorp); PubMed 16714318 (cited by Labcorp Genetics (formerly Invitae), Labcorp); PubMed 24863639 (cited by Labcorp Genetics (formerly Invitae), Labcorp).

NM_014874.4(MFN2):c.616A>G (p.Thr206Ala)

Gene: MFN2 (mitofusin 2; plus strand). Cytogenetic location: 1p36.22.
Variant type: single nucleotide variant.
Coding change: c.616A>G on transcript NM_014874.4 (MANE Select); coding-DNA position 616, A replaced by G.
Protein change: p.Thr206Ala; replaces threonine 206 with alanine.
Molecular consequence: missense variant.
Genome position (GRCh38, 1-based): chr1:11,998,786, A>G. VCF-style: chr1-11998786-A-G. GRCh37 (hg19) VCF-style: chr1-12058843-A-G.
Other names: c.616A>G, p.Thr206Ala (NM_001127660.2); short protein forms T206A.
Identifiers: ClinVar variation 801442 (VCV000801442.18), dbSNP rs1569842296, ClinGen allele CA338437768.